The following is an entry in ClinVar:

NM_001080517.3(SETD5):c.3341G>T (p.Gly1114Val)

Gene: SETD5 (SET domain containing 5; plus strand). Cytogenetic location: 3p25.3.
Variant type: single nucleotide variant.
Coding change: c.3341G>T on transcript NM_001080517.3 (MANE Select); coding-DNA position 3341, G replaced by T.
Protein change: p.Gly1114Val; replaces glycine 1114 with valine.
Molecular consequence: missense variant.
Genome position (GRCh38, 1-based): chr3:9,473,381, G>T. VCF-style: chr3-9473381-G-T. GRCh37 (hg19) VCF-style: chr3-9515065-G-T.
Other names: c.3341G>T (NM_001080517.1); c.3047G>T, p.Gly1016Val (NM_001292043.2, NM_001349451.2); short protein forms G1016V, G1114V.
Identifiers: ClinVar variation 996998 (VCV000996998.6), dbSNP rs201189533, ClinGen allele CA2239672.

ClinVar aggregate classification (germline): Conflicting classifications of pathogenicity. Review status: criteria provided, conflicting classifications (1 of 4 stars). 3 submissions from 3 submitters: Uncertain significance (2); Likely benign (1). Last evaluated 2025-06-06.

Conditions:
Intellectual disability-facial dysmorphism syndrome due to SETD5 haploinsufficiency (MRD23). Also called: Intellectual developmental disorder, autosomal dominant 23. Identifiers: Orphanet 404440, MedGen C3810406, MONDO:0014336, OMIM 615761.
Inborn genetic diseases. Identifiers: MedGen C0950123, MeSH D030342.

Allele frequency attached by ClinVar (database versions not stated): TOPMed 0.00005; 1000 Genomes Project 30x 0.00016; 1000 Genomes Project 0.00020.
gnomAD v4.1: 16 of 1,613,958 alleles (0.00099%); highest among the groups gnomAD compares: Admixed American, 0.025%; no homozygotes.

Submissions (3):

Ambry Genetics
Classification: Likely benign for Inborn genetic diseases. Last evaluated: 2025-06-06. Review status: criteria provided, single submitter. Criteria: Ambry Variant Classification Scheme 2023. Collection method: clinical testing. Allele origin: germline.

Labcorp Genetics (formerly Invitae), Labcorp
Classification: Uncertain significance. Last evaluated: 2023-12-23. Review status: criteria provided, single submitter. Criteria: Invitae Variant Classification Sherloc (09022015). Collection method: clinical testing. Allele origin: germline.
Comment: This sequence change replaces glycine, which is neutral and non-polar, with valine, which is neutral and non-polar, at codon 1114 of the SETD5 protein (p.Gly1114Val). This variant is present in population databases (rs201189533, gnomAD 0.006%). This variant has not been reported in the literature in individuals affected with SETD5-related conditions. ClinVar contains an entry for this variant (Variation ID: 996998). Advanced modeling of protein sequence and biophysical properties (such as structural, functional, and spatial information, amino acid conservation, physicochemical variation, residue mobility, and thermodynamic stability) performed at Invitae indicates that this missense variant is not expected to disrupt SETD5 protein function with a negative predictive value of 80%. In summary, the available evidence is currently insufficient to determine the role of this variant in disease. Therefore, it has been classified as a Variant of Uncertain Significance.

New York Genome Center
Classification: Uncertain significance for Intellectual disability-facial dysmorphism syndrome due to SETD5 haploinsufficiency. Last evaluated: 2020-05-22. Review status: criteria provided, single submitter. Criteria: NYGC Assertion Criteria 2020. Collection method: clinical testing. Allele origin: germline. Inheritance: Autosomal dominant inheritance. Observed: 1 heterozygote. Study: CSER-NYCKidSeq.